The following is an entry in ClinVar:

ClinVar aggregate classification (germline): Conflicting classifications of pathogenicity. Review status: criteria provided, conflicting classifications (1 of 4 stars). 2 submissions from 2 submitters: Uncertain significance (1); Likely benign (1). Last evaluated 2025-07-01.

gnomAD v4.1: 15 of 1,613,700 alleles (0.00093%); highest among the groups gnomAD compares: Non-Finnish European, 0.0012%; no homozygotes.

Submissions (2):

CeGaT Center for Human Genetics Tuebingen
Classification: Likely benign. Last evaluated: 2025-07-01. Review status: criteria provided, single submitter. Criteria: CeGaT Center For Human Genetics Tuebingen Variant Classification Criteria Version 2. Collection method: clinical testing. Allele origin: germline. Affected: yes. Observed: 1 variant allele.
Comment: RANBP2: BP4

Ambry Genetics
Classification: Uncertain significance. Last evaluated: 2025-01-29. Review status: criteria provided, single submitter. Criteria: Ambry Variant Classification Scheme 2023. Collection method: clinical testing. Allele origin: germline.

NM_006267.5(RANBP2):c.4621G>C (p.Ala1541Pro)

Gene: RANBP2 (RAN binding protein 2; plus strand). Cytogenetic location: 2q13.
Variant type: single nucleotide variant.
Coding change: c.4621G>C on transcript NM_006267.5 (MANE Select); coding-DNA position 4621, G replaced by C.
Protein change: p.Ala1541Pro; replaces alanine 1541 with proline.
Molecular consequence: missense variant.
Genome position (GRCh38, 1-based): chr2:108,765,160, G>C. VCF-style: chr2-108765160-G-C. GRCh37 (hg19) VCF-style: chr2-109381616-G-C.
Other names: c.4621G>C, p.Ala1541Pro (NM_001415871.1, NM_001415873.1); c.4618G>C, p.Ala1540Pro (NM_001415872.1); short protein forms A1541P, A1540P.
Identifiers: ClinVar variation 3786770 (VCV003786770.9).
Genomic context (GRCh38, chr2:108,765,160, plus strand): 5'-TTTAAGTTTGGTACTTCAGAGACAAGTAAAACTCTAAAAAGTGGATTTGAAGACATGTTT[G>C]CTAAGAAGGAAGGACAGTGGGATTGCAGTTCATGCTTAGTGCGAAATGAAGCAAATGCTA-3'
Protein context (NP_006258.3, residues 1531-1551): TLKSGFEDMF[Ala1541Pro]KKEGQWDCSS